The following is an entry in ClinVar:

ClinVar aggregate classification (germline): Uncertain significance (1 of 4 stars; one submission).

Allele frequency attached by ClinVar (database versions not stated): gnomAD 0.00001; ExAC 0.00002; TOPMed 0.00002; ESP Exome Variant Server 0.00015.
gnomAD v4.1: 20 of 1,614,000 alleles (0.0012%); highest among the groups gnomAD compares: Non-Finnish European, 0.0016%; no homozygotes.

Submission:

Labcorp Genetics (formerly Invitae), Labcorp
Classification: Uncertain significance. Last evaluated: 2024-05-23. Review status: criteria provided, single submitter. Criteria: Invitae Variant Classification Sherloc (09022015). Collection method: clinical testing. Allele origin: germline.
Comment: This sequence change replaces arginine, which is basic and polar, with glutamine, which is neutral and polar, at codon 530 of the SETBP1 protein (p.Arg530Gln). This variant is present in population databases (rs371223842, gnomAD 0.002%). This variant has not been reported in the literature in individuals affected with SETBP1-related conditions. ClinVar contains an entry for this variant (Variation ID: 1981897). Advanced modeling of protein sequence and biophysical properties (such as structural, functional, and spatial information, amino acid conservation, physicochemical variation, residue mobility, and thermodynamic stability) performed at Invitae indicates that this missense variant is not expected to disrupt SETBP1 protein function with a negative predictive value of 80%. In summary, the available evidence is currently insufficient to determine the role of this variant in disease. Therefore, it has been classified as a Variant of Uncertain Significance.

NM_015559.3(SETBP1):c.1589G>A (p.Arg530Gln)

Gene: SETBP1 (SET binding protein 1; plus strand). Cytogenetic location: 18q12.3.
Variant type: single nucleotide variant.
Coding change: c.1589G>A on transcript NM_015559.3 (MANE Select); coding-DNA position 1589, G replaced by A.
Protein change: p.Arg530Gln; replaces arginine 530 with glutamine.
Molecular consequence: missense variant.
Genome position (GRCh38, 1-based): chr18:44,950,929, G>A. VCF-style: chr18-44950929-G-A. GRCh37 (hg19) VCF-style: chr18-42530894-G-A.
Other names: c.1589G>A, p.Arg530Gln (NM_001379141.1, NM_001379142.1, NM_001410862.1); short protein forms R530Q.
Identifiers: ClinVar variation 1981897 (VCV001981897.4), dbSNP rs371223842, ClinGen allele CA8945646.